The following is an entry in ClinVar:

ClinVar aggregate classification (germline): Uncertain significance (1 of 4 stars; one submission).

Submission:

Labcorp Genetics (formerly Invitae), Labcorp
Classification: Uncertain significance. Last evaluated: 2025-11-12. Review status: criteria provided, single submitter. Criteria: Invitae Variant Classification Sherloc (09022015). Collection method: clinical testing. Allele origin: germline.
Comment: This sequence change replaces alanine, which is neutral and non-polar, with valine, which is neutral and non-polar, at codon 91 of the PLA2G5 protein (p.Ala91Val). The frequency data for this variant in the population databases is considered unreliable, as metrics indicate poor data quality at this position in the gnomAD database. This variant has not been reported in the literature in individuals affected with PLA2G5-related conditions. An algorithm developed to predict the effect of missense changes on protein structure and function (PolyPhen-2) suggests that this variant is likely to be tolerated. In summary, the available evidence is currently insufficient to determine the role of this variant in disease. Therefore, it has been classified as a Variant of Uncertain Significance.

NM_000929.3(PLA2G5):c.272C>T (p.Ala91Val)

Gene: PLA2G5 (phospholipase A2 group V; plus strand). Cytogenetic location: 1p36.13.
Variant type: single nucleotide variant.
Coding change: c.272C>T on transcript NM_000929.3 (MANE Select); coding-DNA position 272, C replaced by T.
Protein change: p.Ala91Val; replaces alanine 91 with valine.
Molecular consequence: missense variant.
Genome position (GRCh38, 1-based): chr1:20,089,875, C>T. VCF-style: chr1-20089875-C-T. GRCh37 (hg19) VCF-style: chr1-20416368-C-T.
Other names: short protein forms A91V.
Identifiers: ClinVar variation 4693649 (VCV004693649.1).